The following is an entry in ClinVar:

ClinVar aggregate classification (germline): Uncertain significance (1 of 4 stars; one submission).

Conditions:
Hereditary cancer-predisposing syndrome. Also called: Hereditary neoplastic syndrome; Neoplastic Syndromes, Hereditary; Tumor predisposition; Hereditary Cancer Syndrome. Identifiers: Orphanet 140162, MedGen C0027672, MeSH D009386, MONDO:0015356.

Submission:

Ambry Genetics
Classification: Uncertain significance for Hereditary cancer-predisposing syndrome. Last evaluated: 2025-03-12. Review status: criteria provided, single submitter. Criteria: Ambry Variant Classification Scheme 2023. Collection method: clinical testing. Allele origin: germline.
Comment: The p.M29R variant (also known as c.86T>G), located in coding exon 1 of the BRIP1 gene, results from a T to G substitution at nucleotide position 86. The methionine at codon 29 is replaced by arginine, an amino acid with similar properties. This amino acid position is conserved. In addition, this alteration is predicted to be deleterious by in silico analysis. Based on the available evidence, the clinical significance of this variant remains unclear.

NM_032043.3(BRIP1):c.86T>G (p.Met29Arg)

Gene: BRIP1 (BRCA1 interacting DNA helicase 1; minus strand). Cytogenetic location: 17q23.2.
Variant type: single nucleotide variant.
Coding change: c.86T>G on transcript NM_032043.3 (MANE Select); coding-DNA position 86, T replaced by G.
Protein change: p.Met29Arg; replaces methionine 29 with arginine.
Molecular consequence: missense variant.
Genome position (GRCh38, 1-based): chr17:61,861,454, A>C on the plus strand (T>G on the coding strand, the complement: BRIP1 is on the minus strand). VCF-style: chr17-61861454-A-C. GRCh37 (hg19) VCF-style: chr17-59938815-A-C.
Other names: short protein forms M29R.
Identifiers: ClinVar variation 3825708 (VCV003825708.1).